The following is an entry in ClinVar:

ClinVar aggregate classification (germline): Likely pathogenic (1 of 4 stars; one submission).

Conditions:
Epilepsy, familial focal, with variable foci 1 (FFEVF1). Also called: DEPDC5-Related Epilepsy. Identifiers: MedGen C4551983, MONDO:0024556, OMIM 604364.

Submission:

Institute of Human Genetics, University of Leipzig Medical Center
Classification: Likely pathogenic for Epilepsy, familial focal, with variable foci 1. Last evaluated: 2022-12-20. Review status: criteria provided, single submitter. Criteria: ACMG Guidelines, 2015. Collection method: clinical testing. Allele origin: unknown. Affected: yes.
Comment: _x000D_ Criteria applied: PVS1, PM2_SUP

NM_001242896.3(DEPDC5):c.4084_4087dup (p.Arg1363fs)

Gene: DEPDC5 (DEP domain containing 5, GATOR1 subcomplex subunit; plus strand). Cytogenetic location: 22q12.3.
Variant type: Duplication.
Coding change: c.4084_4087dup on transcript NM_001242896.3 (MANE Select); coding-DNA positions 4084 to 4087, 4 bases duplicated (AACC; older notation c.4084_4087dupAACC).
Protein change: p.Arg1363fs; shifts the reading frame from arginine 1363.
Molecular consequence: frameshift variant. On other transcripts: non-coding transcript variant (5).
Genome position (GRCh38, 1-based): chr22:31,893,632-31,893,635, AACC duplicated; duplicating any 4 consecutive bases within chr22:31,893,631-31,893,635 gives the same sequence; the c. name uses the placement nearest the transcript's 3' end. VCF-style (leftmost placement, unchanged base first): chr22-31893630-A-ACAAC. GRCh37 (hg19) VCF-style: chr22-32289616-A-ACAAC.
Other names: c.4057_4060dup, p.Arg1354fs (NM_001136029.4); c.3784_3787dup, p.Arg1263fs (NM_001242897.2); c.4018_4021dup, p.Arg1341fs (NM_001363852.2, NM_001364320.2); c.3850_3853dup, p.Arg1285fs (NM_001363854.2, NM_001364319.2); c.4084_4087dup, p.Arg1363fs (NM_001364318.2); c.4000_4003dup, p.Arg1335fs (NM_001369901.1, NM_001369902.1); c.3991_3994dup, p.Arg1332fs (NM_001369903.1, NM_014662.6); short protein forms R1263fs, R1285fs, R1332fs, R1335fs, R1341fs, R1354fs, R1363fs.
Identifiers: ClinVar variation 2430269 (VCV002430269.1), dbSNP rs2523209622, ClinGen allele CA2580099629.